The following is an entry in ClinVar:

ClinVar aggregate classification (germline): Uncertain significance (1 of 4 stars; one submission).

Conditions:
Hereditary cancer-predisposing syndrome. Also called: Neoplastic Syndromes, Hereditary; Hereditary Cancer Syndrome; Hereditary neoplastic syndrome; Tumor predisposition. Identifiers: Orphanet 140162, MedGen C0027672, MeSH D009386, MONDO:0015356.

Submission:

Ambry Genetics
Classification: Uncertain significance for Hereditary cancer-predisposing syndrome. Last evaluated: 2023-04-07. Review status: criteria provided, single submitter. Criteria: Ambry Variant Classification Scheme 2023. Collection method: clinical testing. Allele origin: germline.
Comment: The p.D60G variant (also known as c.179A>G), located in coding exon 3 of the MRE11A gene, results from an A to G substitution at nucleotide position 179. The aspartic acid at codon 60 is replaced by glycine, an amino acid with similar properties. This amino acid position is conserved. In addition, this alteration is predicted to be deleterious by in silico analysis. Since supporting evidence is limited at this time, the clinical significance of this alteration remains unclear.

NM_005591.4(MRE11):c.179A>G (p.Asp60Gly)

Gene: MRE11 (MRE11 double strand break repair nuclease; minus strand). Cytogenetic location: 11q21.
Variant type: single nucleotide variant.
Coding change: c.179A>G on transcript NM_005591.4 (MANE Select); coding-DNA position 179, A replaced by G.
Protein change: p.Asp60Gly; replaces aspartic acid 60 with glycine.
Molecular consequence: missense variant.
Genome position (GRCh38, 1-based): chr11:94,486,059, T>C on the plus strand (A>G on the coding strand, the complement: MRE11 is on the minus strand). VCF-style: chr11-94486059-T-C. GRCh37 (hg19) VCF-style: chr11-94219225-T-C.
Other names: c.179A>G, p.Asp60Gly (NM_001330347.2, NM_005590.4); short protein forms D60G.
Identifiers: ClinVar variation 2565894 (VCV002565894.2), dbSNP rs2496621302, ClinGen allele CA382379873.